The following is an entry in ClinVar:

ClinVar aggregate classification (germline): Uncertain significance (1 of 4 stars; one submission).

Allele frequency attached by ClinVar (database versions not stated): ExAC 0.00001; gnomAD 0.00001; TOPMed 0.00001; gnomAD exomes 0.00004.
gnomAD v4.1: 64 of 1,614,088 alleles (0.004%); highest among the groups gnomAD compares: Non-Finnish European, 0.0054%; no homozygotes.

Submission:

Labcorp Genetics (formerly Invitae), Labcorp
Classification: Uncertain significance. Last evaluated: 2022-08-29. Review status: criteria provided, single submitter. Criteria: Invitae Variant Classification Sherloc (09022015). Collection method: clinical testing. Allele origin: germline.
Comment: In summary, the available evidence is currently insufficient to determine the role of this variant in disease. Therefore, it has been classified as a Variant of Uncertain Significance. Algorithms developed to predict the effect of missense changes on protein structure and function (SIFT, PolyPhen-2, Align-GVGD) all suggest that this variant is likely to be tolerated. This variant has not been reported in the literature in individuals affected with ADGRE2-related conditions. This variant is present in population databases (rs747186548, gnomAD 0.0009%). This sequence change replaces glutamine, which is neutral and polar, with lysine, which is basic and polar, at codon 438 of the ADGRE2 protein (p.Gln438Lys).

NM_013447.4(ADGRE2):c.1312C>A (p.Gln438Lys)

Gene: ADGRE2 (adhesion G protein-coupled receptor E2; minus strand). Cytogenetic location: 19p13.12.
Variant type: single nucleotide variant.
Coding change: c.1312C>A on transcript NM_013447.4 (MANE Select); coding-DNA position 1312, C replaced by A.
Protein change: p.Gln438Lys; replaces glutamine 438 with lysine.
Molecular consequence: missense variant.
Genome position (GRCh38, 1-based): chr19:14,755,758, G>T on the plus strand (C>A on the coding strand, the complement: ADGRE2 is on the minus strand). VCF-style: chr19-14755758-G-T. GRCh37 (hg19) VCF-style: chr19-14866570-G-T.
Other names: c.1312C>A, p.Gln438Lys (NM_001271052.1); c.1165C>A, p.Gln389Lys (NM_152916.2); c.1033C>A, p.Gln345Lys (NM_152917.2); short protein forms Q389K, Q438K, Q345K.
Identifiers: ClinVar variation 1981176 (VCV001981176.4), dbSNP rs747186548, ClinGen allele CA9257748.